The following is an entry in ClinVar:

NM_001005498.4(RHBDF2):c.479C>T (p.Pro160Leu)

Gene: RHBDF2 (rhomboid 5 homolog 2; minus strand). Cytogenetic location: 17q25.1.
Variant type: single nucleotide variant.
Coding change: c.479C>T on transcript NM_001005498.4 (MANE Select); coding-DNA position 479, C replaced by T.
Protein change: p.Pro160Leu; replaces proline 160 with leucine.
Molecular consequence: missense variant. On other transcripts: non-coding transcript variant (3).
Genome position (GRCh38, 1-based): chr17:76,478,999, G>A on the plus strand (C>T on the coding strand, the complement: RHBDF2 is on the minus strand). VCF-style: chr17-76478999-G-A. GRCh37 (hg19) VCF-style: chr17-74475081-G-A.
Other names: P189L; D188N; c.479C>T, p.Pro160Leu (NM_001376228.1, NM_001376229.1, NM_001376230.1); c.566C>T, p.Pro189Leu (NM_024599.5); short protein forms P160L.
Identifiers: ClinVar variation 31179 (VCV000031179.7), dbSNP rs387907130, ClinGen allele CA129734.

ClinVar aggregate classification (germline): Conflicting classifications of pathogenicity. Review status: criteria provided, conflicting classifications (1 of 4 stars). 5 submissions from 5 submitters: Likely pathogenic (3); Uncertain significance (1). 1 of the submissions does not count toward it. Last evaluated 2026-09-22.

Conditions:
Palmoplantar keratodermas.
RHBDF2-related disorder. Also called: RHBDF2-related condition.
Palmoplantar keratoderma-esophageal carcinoma syndrome (TOC). Also called: Tylosis with Esophageal Cancer; KERATOSIS PALMARIS ET PLANTARIS WITH ESOPHAGEAL CANCER; PALMOPLANTAR KERATODERMA WITH ESOPHAGEAL CANCER. Identifiers: Orphanet 2198, MedGen C1835664, MONDO:0007856, OMIM 148500.

Submissions (5):

Genetics Laboratory, Great Ormond Street Hospital NHS Foundation Trust, North Thames Genomic Laboratory Hub
Classification: Likely pathogenic for Palmoplantar keratodermas. Last evaluated: 2026-09-22. Review status: criteria provided, single submitter. Criteria: ACGS Best Practice Guidelines for Variant Classification in Rare Disease 2024 v1.2. Collection method: clinical testing. Allele origin: germline. Affected: yes.
Comment: PS4_moderate, PM2_moderate, PP3_supporting, PM1_moderate

Labcorp Genetics (formerly Invitae), Labcorp
Classification: Uncertain significance. Last evaluated: 2024-12-02. Review status: criteria provided, single submitter. Criteria: Invitae Variant Classification Sherloc (09022015). Collection method: clinical testing. Allele origin: germline.
Comment: This sequence change replaces proline, which is neutral and non-polar, with leucine, which is neutral and non-polar, at codon 189 of the RHBDF2 protein (p.Pro189Leu). This variant is not present in population databases (gnomAD no frequency). This missense change has been observed in individual(s) with esophageal cancer (PMID: 22265016). ClinVar contains an entry for this variant (Variation ID: 31179). An algorithm developed to predict the effect of missense changes on protein structure and function (PolyPhen-2) suggests that this variant is likely to be disruptive. Experimental studies have shown that this missense change affects RHBDF2 function (PMID: 28655741, 30197081). In summary, the available evidence is currently insufficient to determine the role of this variant in disease. Therefore, it has been classified as a Variant of Uncertain Significance.

Fulgent Genetics
Classification: Likely pathogenic for Palmoplantar keratoderma-esophageal carcinoma syndrome. Last evaluated: 2022-02-17. Review status: criteria provided, single submitter. Criteria: ACMG Guidelines, 2015. Collection method: clinical testing. Allele origin: unknown.

Blueprint Genetics
Classification: Likely pathogenic for RHBDF2-related disorders. Last evaluated: 2020-07-31. Review status: criteria provided, single submitter. Criteria: ACMG Guidelines, 2015. Collection method: clinical testing. Allele origin: germline. Affected: yes. Observed: 1 variant allele.

OMIM
Classification: Pathogenic for TYLOSIS WITH ESOPHAGEAL CANCER. Last evaluated: 2012-09-01. Review status: no assertion criteria provided. Collection method: literature only. Allele origin: germline. Not counted in ClinVar's aggregate classification.

Literature cited by the submitters: PubMed 22265016 (cited by Labcorp Genetics (formerly Invitae), Labcorp); PubMed 28655741 (cited by Labcorp Genetics (formerly Invitae), Labcorp); PubMed 30197081 (cited by Labcorp Genetics (formerly Invitae), Labcorp); PubMed 22638770 (cited by OMIM).